The following is an entry in ClinVar:

NM_000059.4(BRCA2):c.6297A>T (p.Arg2099Ser)

Gene: BRCA2 (BRCA2 DNA repair associated; plus strand). Cytogenetic location: 13q13.1.
Variant type: single nucleotide variant.
Coding change: c.6297A>T on transcript NM_000059.4 (MANE Select); coding-DNA position 6297, A replaced by T.
Protein change: p.Arg2099Ser; replaces arginine 2099 with serine.
Molecular consequence: missense variant. On other transcripts: non-coding transcript variant (1), intron variant (2).
Genome position (GRCh38, 1-based): chr13:32,340,652, A>T. VCF-style: chr13-32340652-A-T. GRCh37 (hg19) VCF-style: chr13-32914789-A-T.
Other names: c.6297A>T, p.Arg2099Ser (NM_001406719.1, NM_001406720.1); c.1910-3906A>T (NM_001406721.1); c.425-3906A>T (NM_001406722.1); short protein forms R2099S.
Identifiers: ClinVar variation 2889643 (VCV002889643.3), dbSNP rs1057520414, ClinGen allele CA387789020.

ClinVar aggregate classification (germline): Uncertain significance (1 of 4 stars; one submission).

Conditions:
Hereditary breast ovarian cancer syndrome. Also called: Breast and ovarian cancer; Hereditary breast and ovarian cancer; Hereditary breast and ovarian cancer syndrome (HBOC); Hereditary breast and/or ovarian cancer syndrome; Hereditary breast and ovarian cancer syndrome; BRCA1- and BRCA2-Associated Hereditary Breast and Ovarian Cancer. Identifiers: Orphanet 145, MedGen C0677776, MeSH D061325, MONDO:0003582. Disease mechanism: loss of function.

Submission:

Labcorp Genetics (formerly Invitae), Labcorp
Classification: Uncertain significance for Hereditary breast ovarian cancer syndrome. Last evaluated: 2022-12-11. Review status: criteria provided, single submitter. Criteria: Invitae Variant Classification Sherloc (09022015). Collection method: clinical testing. Allele origin: germline.
Comment: In summary, the available evidence is currently insufficient to determine the role of this variant in disease. Therefore, it has been classified as a Variant of Uncertain Significance. Advanced modeling of protein sequence and biophysical properties (such as structural, functional, and spatial information, amino acid conservation, physicochemical variation, residue mobility, and thermodynamic stability) performed at Invitae indicates that this missense variant is not expected to disrupt BRCA2 protein function. This variant has not been reported in the literature in individuals affected with BRCA2-related conditions. This variant is not present in population databases (gnomAD no frequency). This sequence change replaces arginine, which is basic and polar, with serine, which is neutral and polar, at codon 2099 of the BRCA2 protein (p.Arg2099Ser).